The following is an entry in ClinVar:

ClinVar aggregate classification (germline): Likely pathogenic. Review status: criteria provided, multiple submitters, no conflicts (2 of 4 stars). 2 submissions from 2 submitters: Likely pathogenic (2). Last evaluated 2025-10-02.

Conditions:
Muscular dystrophy-dystroglycanopathy (congenital with brain and eye anomalies), type a, 10 (MDDGA10). Also called: WALKER-WARBURG SYNDROME OR MUSCLE-EYE-BRAIN DISEASE, TMEM5-RELATED. Identifiers: Orphanet 899, MedGen C3554381, MONDO:0014022, OMIM 615041.

Allele frequency attached by ClinVar (database versions not stated): gnomAD 0.00001; gnomAD exomes 0.00001.
gnomAD v4.1: 19 of 1,545,532 alleles (0.0012%); highest among the groups gnomAD compares: Non-Finnish European, 0.0017%; no homozygotes.

Submissions (2):

Labcorp Genetics (formerly Invitae), Labcorp
Classification: Likely pathogenic. Last evaluated: 2025-10-02. Review status: criteria provided, single submitter. Criteria: Invitae Variant Classification Sherloc (09022015). Collection method: clinical testing. Allele origin: germline.
Comment: This sequence change affects a donor splice site in intron 2 of the RXYLT1 gene. It is expected to disrupt RNA splicing. Variants that disrupt the donor or acceptor splice site typically lead to a loss of protein function (PMID: 16199547), and loss-of-function variants in RXYLT1 are known to be pathogenic (PMID: 23217329, 23519211, 31742715). This variant is not present in population databases (gnomAD no frequency). This variant has not been reported in the literature in individuals affected with RXYLT1-related conditions. ClinVar contains an entry for this variant (Variation ID: 963083). Algorithms developed to predict the effect of sequence changes on RNA splicing suggest that this variant may disrupt the consensus splice site. In summary, the currently available evidence indicates that the variant is pathogenic, but additional data are needed to prove that conclusively. Therefore, this variant has been classified as Likely Pathogenic.

Women's Health and Genetics/Laboratory Corporation of America, LabCorp
Classification: Likely pathogenic for Muscular dystrophy-dystroglycanopathy (congenital with brain and eye anomalies), type a, 10. Last evaluated: 2023-12-19. Review status: criteria provided, single submitter. Criteria: LabCorp Variant Classification Summary - May 2015. Collection method: clinical testing. Allele origin: germline.
Comment: Variant summary: RXYLT1 c.325+1G>T is located in a canonical splice-site and is predicted to affect mRNA splicing resulting in a significantly altered protein due to either exon skipping, shortening, or inclusion of intronic material. Several computational tools predict a significant impact on normal splicing: Four predict the variant abolishes a canonical 5' splicing donor site. However, these predictions have yet to be confirmed by functional studies. The frequency data for this variant in gnomAD is considered unreliable, as metrics indicate poor data quality at this position. To our knowledge, no occurrence of c.325+1G>T in individuals affected with Muscular Dystrophy-Dystroglycanopathy (congenital With Brain And Eye Anomalies), Type A, 10 and no experimental evidence demonstrating its impact on protein function have been reported. One submitter has cited clinical-significance assessments for this variant to ClinVar after 2014 and has classified the variant as likely pathogenic. Based on the evidence outlined above, the variant was classified as likely pathogenic.

Literature cited by the submitters: PubMed 16199547 (cited by Labcorp Genetics (formerly Invitae), Labcorp); PubMed 23217329 (cited by Labcorp Genetics (formerly Invitae), Labcorp); PubMed 23519211 (cited by Labcorp Genetics (formerly Invitae), Labcorp); PubMed 31742715 (cited by Labcorp Genetics (formerly Invitae), Labcorp).

NM_014254.3(RXYLT1):c.325+1G>T

Gene: RXYLT1 (ribitol xylosyltransferase 1; plus strand). Cytogenetic location: 12q14.2.
Variant type: single nucleotide variant.
Coding change: c.325+1G>T on transcript NM_014254.3 (MANE Select); the canonical splice donor site of the intron after coding-DNA position 325, G replaced by T.
Molecular consequence: splice donor variant.
Genome position (GRCh38, 1-based): chr12:63,781,175, G>T. VCF-style: chr12-63781175-G-T. GRCh37 (hg19) VCF-style: chr12-64174955-G-T.
Other names: c.-456+1G>T (NM_001278237.2).
Identifiers: ClinVar variation 963083 (VCV000963083.9), dbSNP rs1592838547, ClinGen allele CA385584437.
Genomic context (GRCh38, chr12:63,781,175, plus strand): 5'-ATAAATCCACGAAAGGAAAAACAGATCTCAGTGTACAAATCTGGGGCAAAGCTGCCATTG[G>T]TAAGTTAATACGTAGAAGGAAGACATGTAAAAAGCATTATAAAATGTATTTTATTGATAT-3'